The following is an entry in ClinVar:

ClinVar aggregate classification (germline): Uncertain significance. Review status: criteria provided, multiple submitters, no conflicts (2 of 4 stars). 2 submissions from 2 submitters: Uncertain significance (2). Last evaluated 2025-01-19.

Conditions:
Choanal atresia-athelia-hypothyroidism-delayed puberty-short stature syndrome (BCAHH). Also called: BRANCHIAL ARCH ABNORMALITIES, CHOANAL ATRESIA, ATHELIA, HEARING LOSS, AND HYPOTHYROIDISM SYNDROME. Identifiers: Orphanet 589856, MedGen C5680310, MONDO:0035651, OMIM 620186.
Kabuki syndrome 1 (KABUK1). Also called: KMT2D-Related Kabuki Syndrome. Identifiers: Orphanet 2322, MedGen CN030661, MONDO:0007843, OMIM 147920.

gnomAD v4.1: 1 of 1,613,778 alleles (0.000062%); no homozygotes.

Submissions (2):

GeneDx
Classification: Uncertain significance. Last evaluated: 2025-01-19. Review status: criteria provided, single submitter. Criteria: GeneDx Variant Classification Process June 2021. Collection method: clinical testing. Allele origin: germline. Affected: yes.
Comment: Not observed at significant frequency in large population cohorts (gnomAD); In silico analysis indicates that this missense variant does not alter protein structure/function; Has not been previously published as pathogenic or benign to our knowledge

Fulgent Genetics
Classification: Uncertain significance for Kabuki syndrome 1; Choanal atresia-athelia-hypothyroidism-delayed puberty-short stature syndrome. Last evaluated: 2024-05-27. Review status: criteria provided, single submitter. Criteria: ACMG Guidelines, 2015. Collection method: clinical testing. Allele origin: germline.

NM_003482.4(KMT2D):c.10501G>C (p.Val3501Leu)

Gene: KMT2D (lysine methyltransferase 2D; minus strand). Cytogenetic location: 12q13.12.
Variant type: single nucleotide variant.
Coding change: c.10501G>C on transcript NM_003482.4 (MANE Select); coding-DNA position 10501, G replaced by C.
Protein change: p.Val3501Leu; replaces valine 3501 with leucine.
Molecular consequence: missense variant.
Genome position (GRCh38, 1-based): chr12:49,034,416, C>G on the plus strand (G>C on the coding strand, the complement: KMT2D is on the minus strand). VCF-style: chr12-49034416-C-G. GRCh37 (hg19) VCF-style: chr12-49428199-C-G.
Other names: short protein forms V3501L.
Identifiers: ClinVar variation 3574728 (VCV003574728.2).